The following is an entry in ClinVar:

ClinVar aggregate classification (germline): Uncertain significance. Review status: criteria provided, multiple submitters, no conflicts (2 of 4 stars). 2 submissions from 2 submitters: Uncertain significance (2). Last evaluated 2024-08-08.

Conditions:
Inborn genetic diseases. Identifiers: MedGen C0950123, MeSH D030342.

Allele frequency attached by ClinVar (database versions not stated): gnomAD exomes below 0.00001; TOPMed below 0.00001; gnomAD 0.00001.
gnomAD v4.1: 2 of 1,614,004 alleles (0.00012%); highest among the groups gnomAD compares: Admixed American, 0.0033%; no homozygotes.

Submissions (2):

Labcorp Genetics (formerly Invitae), Labcorp
Classification: Uncertain significance. Last evaluated: 2024-08-08. Review status: criteria provided, single submitter. Criteria: Invitae Variant Classification Sherloc (09022015). Collection method: clinical testing. Allele origin: germline.
Comment: This sequence change replaces leucine, which is neutral and non-polar, with arginine, which is basic and polar, at codon 777 of the EPAS1 protein (p.Leu777Arg). This variant is present in population databases (no rsID available, gnomAD 0.1%). This variant has not been reported in the literature in individuals affected with EPAS1-related conditions. ClinVar contains an entry for this variant (Variation ID: 1789723). An algorithm developed to predict the effect of missense changes on protein structure and function (PolyPhen-2) suggests that this variant is likely to be disruptive. In summary, the available evidence is currently insufficient to determine the role of this variant in disease. Therefore, it has been classified as a Variant of Uncertain Significance.

Ambry Genetics
Classification: Uncertain significance for Inborn genetic diseases. Last evaluated: 2023-09-12. Review status: criteria provided, single submitter. Criteria: Ambry Variant Classification Scheme 2023. Collection method: clinical testing. Allele origin: germline.
Comment: The p.L777R variant (also known as c.2330T>G), located in coding exon 15 of the EPAS1 gene, results from a T to G substitution at nucleotide position 2330. The leucine at codon 777 is replaced by arginine, an amino acid with dissimilar properties. This amino acid position is conserved. In addition, the in silico prediction for this alteration is inconclusive. Since supporting evidence is limited at this time, the clinical significance of this alteration remains unclear.

NM_001430.5(EPAS1):c.2330T>G (p.Leu777Arg)

Gene: EPAS1 (endothelial PAS domain protein 1; plus strand). Cytogenetic location: 2p21.
Variant type: single nucleotide variant.
Coding change: c.2330T>G on transcript NM_001430.5 (MANE Select); coding-DNA position 2330, T replaced by G.
Protein change: p.Leu777Arg; replaces leucine 777 with arginine.
Molecular consequence: missense variant.
Genome position (GRCh38, 1-based): chr2:46,382,467, T>G. VCF-style: chr2-46382467-T-G. GRCh37 (hg19) VCF-style: chr2-46609606-T-G.
Other names: short protein forms L777R.
Identifiers: ClinVar variation 1789723 (VCV001789723.5), dbSNP rs1292120365, ClinGen allele CA346706037.
Genomic context (GRCh38, chr2:46,382,467, plus strand): 5'-CTGACTTTGGTCTTTCAGATAAGTTCACCCAAAACCCCATGAGGGGCCTGGGCCATCCCC[T>G]GAGACATCTGCCGCTGCCACAGCCTCCATCTGCCATCAGTCCCGGGGAGAACAGCAAGAG-3'
Protein context (NP_001421.2, residues 767-787): QNPMRGLGHP[Leu777Arg]RHLPLPQPPS